The following is an entry in ClinVar:

NM_001172509.2(SATB2):c.169G>A (p.Gly57Ser)

Gene: SATB2 (SATB homeobox 2; minus strand). Cytogenetic location: 2q33.1.
Variant type: single nucleotide variant.
Coding change: c.169G>A on transcript NM_001172509.2 (MANE Select); coding-DNA position 169, G replaced by A.
Protein change: p.Gly57Ser; replaces glycine 57 with serine.
Molecular consequence: missense variant. On other transcripts: non-coding transcript variant (1).
Genome position (GRCh38, 1-based): chr2:199,455,869, C>T on the plus strand (G>A on the coding strand, the complement: SATB2 is on the minus strand). VCF-style: chr2-199455869-C-T. GRCh37 (hg19) VCF-style: chr2-200320592-C-T.
Other names: c.169G>A, p.Gly57Ser (NM_001172517.1, NM_015265.4); short protein forms G57S.
Identifiers: ClinVar variation 4159724 (VCV004159724.1).
Genomic context (GRCh38, chr2:199,455,869, plus strand): 5'-GACACCCGGGCCATTATCACTGGGCCGCGGGCTGCGCGCCTCCCTGCTCCGGGCTGTTAC[C>T]TCCCACGGCCTTGGCCACGGCGCCGTTGGGCCTCCCGCGGGCTCCCATGGGGCTGCCGTT-3'
Protein context (NP_001165980.1, residues 47-67): PNGAVAKAVG[Gly57Ser]LMIPVFCVVE

ClinVar aggregate classification (germline): Likely pathogenic (1 of 4 stars; one submission).

Conditions:
Inborn genetic diseases. Identifiers: MedGen C0950123, MeSH D030342.

Submission:

Ambry Genetics
Classification: Likely pathogenic for Inborn genetic diseases. Last evaluated: 2025-06-16. Review status: criteria provided, single submitter. Criteria: Ambry Variant Classification Scheme 2023. Collection method: clinical testing. Allele origin: germline.
Comment: The c.169G>A (p.G57S) alteration is located in exon 3 (coding exon 1) of the SATB2 gene. This alteration results from a G to A substitution at nucleotide position 169, causing the glycine (G) at amino acid position 57 to be replaced by a serine (S). However, this change occurs in the last base pair of coding exon1, which makes it likely to have some effect on normal mRNA splicing. This variant was not reported in population-based cohorts in the Genome Aggregation Database (gnomAD). This nucleotide position is highly conserved in available vertebrate species. This amino acid position is highly conserved in available vertebrate species. The in silico prediction for this missense alteration is inconclusive. In silico splice site analysis predicts that this alteration will weaken the native splice donor site. Based on the available evidence, this alteration is classified as likely pathogenic.